The following is an entry in ClinVar:

ClinVar aggregate classification (germline): Uncertain significance. Review status: criteria provided, multiple submitters, no conflicts (2 of 4 stars). 8 submissions from 8 submitters: Uncertain significance (7). 1 of the submissions does not count toward it. Last evaluated 2025-06-19.

Conditions:
Marfan syndrome (MFS). Also called: MARFAN SYNDROME, TYPE I; FBN1-Related Marfan Syndrome; Marfan syndrome type 1; Marfan's syndrome; Marfan syndrome, classic. Identifiers: Orphanet 284963, Orphanet 558, MedGen C0024796, MONDO:0007947, OMIM 154700.
Familial thoracic aortic aneurysm and aortic dissection (TAAD). Also called: Thoracic aortic aneurysms and dissections. Identifiers: Orphanet 91387, MedGen C4707243, MONDO:0019625.
Aortic aneurysm, familial thoracic 2 (AAT2). Identifiers: MedGen C1846837, MONDO:0011770, OMIM 607087.

Allele frequency attached by ClinVar (database versions not stated): gnomAD exomes 0.00002; gnomAD 0.00004 and 0.00006; ESP Exome Variant Server 0.00023; ExAC 0.00003; TOPMed 0.00005.
gnomAD v4.1: 32 of 1,614,008 alleles (0.002%); highest among the groups gnomAD compares: Middle Eastern, 0.016%; no homozygotes.

Submissions (8):

Labcorp Genetics (formerly Invitae), Labcorp
Classification: Uncertain significance for Marfan syndrome; Familial thoracic aortic aneurysm and aortic dissection. Last evaluated: 2025-06-19. Review status: criteria provided, single submitter. Criteria: Invitae Variant Classification Sherloc (09022015). Collection method: clinical testing. Allele origin: germline.
Comment: This sequence change replaces glycine, which is neutral and non-polar, with arginine, which is basic and polar, at codon 2367 of the FBN1 protein (p.Gly2367Arg). This variant is present in population databases (rs368978109, gnomAD 0.006%). This missense change has been observed in individual(s) with clinical features of FBN1-related conditions (internal data). ClinVar contains an entry for this variant (Variation ID: 492831). Invitae Evidence Modeling of protein sequence and biophysical properties (such as structural, functional, and spatial information, amino acid conservation, physicochemical variation, residue mobility, and thermodynamic stability) has been performed for this missense variant. However, the output from this modeling did not meet the statistical confidence thresholds required to predict the impact of this variant on FBN1 protein function. In summary, the available evidence is currently insufficient to determine the role of this variant in disease. Therefore, it has been classified as a Variant of Uncertain Significance.

All of Us Research Program, National Institutes of Health
Classification: Uncertain significance for Marfan syndrome. Last evaluated: 2024-05-14. Review status: criteria provided, single submitter. Criteria: ACMG Guidelines, 2015. Collection method: clinical testing. Allele origin: germline. Inheritance: Autosomal dominant inheritance. Observed: 8 variant alleles, 8 heterozygotes.
Comment: This missense variant replaces glycine with arginine at codon 2367 of the FBN1 protein. Computational prediction is inconclusive regarding the impact of this variant on protein structure and function (internally defined REVEL score threshold 0.5 < inconclusive < 0.7, PMID: 27666373). To our knowledge, functional studies have not been reported for this variant. This variant has not been reported in individuals affected with cardiovascular disorders in the literature. This variant has been identified in 6/282266 chromosomes in the general population by the Genome Aggregation Database (gnomAD). The available evidence is insufficient to determine the role of this variant in disease conclusively. Therefore, this variant is classified as a Variant of Uncertain Significance.

This study involves interpretation of variants in research participants for the purpose of population health screening. Participant phenotype was not available at the time of variant classification. Additional details can be found in publication PMID: 35346344, PMCID: PMC8962531

Color Diagnostics, LLC DBA Color Health
Classification: Uncertain significance for Familial thoracic aortic aneurysm and aortic dissection. Last evaluated: 2024-03-06. Review status: criteria provided, single submitter. Criteria: ACMG Guidelines, 2015. Collection method: clinical testing. Allele origin: germline.
Comment: This missense variant replaces glycine with arginine at codon 2367 of the FBN1 protein. Computational prediction is inconclusive regarding the impact of this variant on protein structure and function. To our knowledge, functional studies have not been reported for this variant. This variant has not been reported in individuals affected with FBN1-related disorders in the literature. This variant has been identified in 6/282266 chromosomes in the general population by the Genome Aggregation Database (gnomAD). The available evidence is insufficient to determine the role of this variant in disease conclusively. Therefore, this variant is classified as a Variant of Uncertain Significance.

GeneDx
Classification: Uncertain significance. Last evaluated: 2023-06-08. Review status: criteria provided, single submitter. Criteria: GeneDx Variant Classification Process June 2021. Collection method: clinical testing. Allele origin: germline. Affected: yes.
Comment: Does not affect a cysteine residue within a calcium-binding EGF-like domain of the FBN1 gene; cysteine substitutions in the calcium-binding EGF-like domains represent the majority of pathogenic missense changes associated with FBN1-related disorders (Collod-Beroud et al., 2003); In silico analysis supports that this missense variant has a deleterious effect on protein structure/function; Has not been previously published as pathogenic or benign to our knowledge; This variant is associated with the following publications: (PMID: 12938084)

Ambry Genetics
Classification: Uncertain significance for Familial thoracic aortic aneurysm and aortic dissection. Last evaluated: 2022-03-16. Review status: criteria provided, single submitter. Criteria: Ambry Variant Classification Scheme 2023. Collection method: clinical testing. Allele origin: germline.
Comment: The p.G2367R variant (also known as c.7099G>A), located in coding exon 57 of the FBN1 gene, results from a G to A substitution at nucleotide position 7099. The glycine at codon 2367 is replaced by arginine, an amino acid with dissimilar properties. This amino acid position is highly conserved in available vertebrate species. In addition, the in silico prediction for this alteration is inconclusive. Since supporting evidence is limited at this time, the clinical significance of this alteration remains unclear.

Revvity Omics, Revvity
Classification: Uncertain significance. Last evaluated: 2020-12-04. Review status: criteria provided, single submitter. Criteria: ACMG Guidelines, 2015. Collection method: clinical testing. Allele origin: germline.

ARUP Laboratories, Molecular Genetics and Genomics, ARUP Laboratories
Classification: Uncertain significance. Last evaluated: 2019-11-11. Review status: criteria provided, single submitter. Criteria: ARUP Molecular Germline Variant Investigation Process. Collection method: clinical testing. Allele origin: germline.
Comment: The FBN1 c.7099G>A; p.Gly2367Arg variant (rs368978109), to our knowledge, is not reported in the medical literature but is reported in ClinVar (Variation ID: 492831). This variant is found on only six chromosomes (6/282266 alleles) in the Genome Aggregation Database. The glycine at codon 2367 is highly conserved, but computational analyses (SIFT: tolerated, PolyPhen-2: damaging) predict conflicting effects of this variant on protein structure/function. However, due to limited information, the clinical significance of the p.Gly2367Arg variant is uncertain at this time.

Clinical Molecular Genetics Laboratory, Johns Hopkins All Children's Hospital
Classification: Uncertain significance for Aortic aneurysm, familial thoracic 2. Last evaluated: 2016-03-02. Review status: no assertion criteria provided. Collection method: clinical testing. Allele origin: germline. Affected: yes. Not counted in ClinVar's aggregate classification.

NM_000138.5(FBN1):c.7099G>A (p.Gly2367Arg)

Gene: FBN1 (fibrillin 1; minus strand). Cytogenetic location: 15q21.1.
Variant type: single nucleotide variant.
Coding change: c.7099G>A on transcript NM_000138.5 (MANE Select); coding-DNA position 7099, G replaced by A.
Protein change: p.Gly2367Arg; replaces glycine 2367 with arginine.
Molecular consequence: missense variant.
Genome position (GRCh38, 1-based): chr15:48,427,672, C>T on the plus strand (G>A on the coding strand, the complement: FBN1 is on the minus strand). VCF-style: chr15-48427672-C-T. GRCh37 (hg19) VCF-style: chr15-48719869-C-T.
Other names: short protein forms G2367R.
Identifiers: ClinVar variation 492831 (VCV000492831.42), dbSNP rs368978109, ClinGen allele CA057916.